The following is an entry in ClinVar:

NM_003309.4(TSPYL1):c.256G>A (p.Val86Ile)

Genes: DSE (dermatan sulfate epimerase; plus strand), TSPYL1 (TSPY like 1; minus strand), LOC129997035 (ATAC-STARR-seq lymphoblastoid active region 24984; plus strand). Cytogenetic location: 6q22.1.
Variant type: single nucleotide variant.
Coding change: c.256G>A on transcript NM_003309.4 (MANE Select); coding-DNA position 256, G replaced by A.
Protein change: p.Val86Ile; replaces valine 86 with isoleucine.
Molecular consequence: missense variant. On other transcripts: intron variant (6).
Genome position (GRCh38, 1-based): chr6:116,279,575, C>T on the plus strand (G>A on the coding strand, the complement: TSPYL1 is on the minus strand). VCF-style: chr6-116279575-C-T. GRCh37 (hg19) VCF-style: chr6-116600738-C-T.
Other names: c.-954+20608C>T (NM_001374520.1); c.-54+20608C>T (NM_001322937.2, NM_001322938.2, NM_001374522.1); c.-641+20608C>T (NM_001374521.1); c.-611+20608C>T (NM_001322940.2); short protein forms V86I.
Identifiers: ClinVar variation 732961 (VCV000732961.10), dbSNP rs149638466, ClinGen allele CA3969340.

ClinVar aggregate classification (germline): Likely benign. Review status: criteria provided, single submitter (1 of 4 stars). 2 submissions from 2 submitters: Likely benign (1). 1 of the submissions does not count toward it. Last evaluated 2025-06-23.

Conditions:
TSPYL1-related disorder. Also called: TSPYL1-related condition.

Allele frequency attached by ClinVar (database versions not stated): TOPMed 0.00102; gnomAD exomes 0.00024; 1000 Genomes Project 30x 0.00172; ExAC 0.00026; gnomAD 0.00093; ESP Exome Variant Server 0.00123; 1000 Genomes Project 0.00180.
gnomAD v4.1: 284 of 1,602,606 alleles (0.018%); highest among the groups gnomAD compares: African/African-American, 0.35%; no homozygotes.

Submissions (2):

Labcorp Genetics (formerly Invitae), Labcorp
Classification: Likely benign. Last evaluated: 2025-06-23. Review status: criteria provided, single submitter. Criteria: Invitae Variant Classification Sherloc (09022015). Collection method: clinical testing. Allele origin: germline.

PreventionGenetics, part of Exact Sciences
Classification: Likely benign for TSPYL1-related condition. Last evaluated: 2020-09-28. Review status: no assertion criteria provided. Collection method: clinical testing. Allele origin: germline. Not counted in ClinVar's aggregate classification.
Comment: This variant is classified as likely benign based on ACMG/AMP sequence variant interpretation guidelines (Richards et al. 2015 PMID: 25741868, with internal and published modifications).